The following is an entry in ClinVar:

NM_001001957.2(OR2W3):c.686G>T (p.Arg229Leu)

Gene: OR2W3 (olfactory receptor family 2 subfamily W member 3; plus strand). Cytogenetic location: 1q44.
Variant type: single nucleotide variant.
Coding change: c.686G>T on transcript NM_001001957.2 (MANE Select); coding-DNA position 686, G replaced by T.
Protein change: p.Arg229Leu; replaces arginine 229 with leucine.
Molecular consequence: missense variant.
Genome position (GRCh38, 1-based): chr1:247,896,272, G>T. VCF-style: chr1-247896272-G-T. GRCh37 (hg19) VCF-style: chr1-248059574-G-T.
Other names: short protein forms R229L.
Identifiers: ClinVar variation 4775572 (VCV004775572.1).

ClinVar aggregate classification (germline): Uncertain significance (1 of 4 stars; one submission).

gnomAD v4.1: 12 of 1,614,142 alleles (0.00074%); highest among the groups gnomAD compares: Non-Finnish European, 0.001%; no homozygotes.

Submission:

Labcorp Genetics (formerly Invitae), Labcorp
Classification: Uncertain significance. Last evaluated: 2025-12-06. Review status: criteria provided, single submitter. Criteria: Invitae Variant Classification Sherloc (09022015). Collection method: clinical testing. Allele origin: germline.
Comment: This sequence change replaces arginine, which is basic and polar, with leucine, which is neutral and non-polar, at codon 229 of the OR2W3 protein (p.Arg229Leu). This variant is present in population databases (no rsID available, gnomAD 0.0009%). This variant has not been reported in the literature in individuals affected with OR2W3-related conditions. An algorithm developed to predict the effect of missense changes on protein structure and function (PolyPhen-2) suggests that this variant is likely to be tolerated. In summary, the available evidence is currently insufficient to determine the role of this variant in disease. Therefore, it has been classified as a Variant of Uncertain Significance.